The following is an entry in ClinVar:

ClinVar aggregate classification (germline): Uncertain significance (1 of 4 stars; one submission).

Conditions:
Congenital muscular hypertrophy-cerebral syndrome (CDLS2). Also called: SMC1A-Related Cornelia de Lange Syndrome; Cornelia de Lange syndrome 2. Identifiers: Orphanet 199, MedGen C1802395, MONDO:0010370, OMIM 300590.

Allele frequency attached by ClinVar (database versions not stated): TOPMed 0.00001.

Submission:

Labcorp Genetics (formerly Invitae), Labcorp
Classification: Uncertain significance for Congenital muscular hypertrophy-cerebral syndrome. Last evaluated: 2022-10-17. Review status: criteria provided, single submitter. Criteria: Invitae Variant Classification Sherloc (09022015). Collection method: clinical testing. Allele origin: germline.
Comment: In summary, the available evidence is currently insufficient to determine the role of this variant in disease. Therefore, it has been classified as a Variant of Uncertain Significance. Advanced modeling of protein sequence and biophysical properties (such as structural, functional, and spatial information, amino acid conservation, physicochemical variation, residue mobility, and thermodynamic stability) performed at Invitae indicates that this missense variant is not expected to disrupt SMC1A protein function. This variant has not been reported in the literature in individuals affected with SMC1A-related conditions. This variant is not present in population databases (gnomAD no frequency). This sequence change replaces glycine, which is neutral and non-polar, with alanine, which is neutral and non-polar, at codon 457 of the SMC1A protein (p.Gly457Ala).

NM_006306.4(SMC1A):c.1370G>C (p.Gly457Ala)

Gene: SMC1A (structural maintenance of chromosomes 1A; minus strand). Cytogenetic location: Xp11.22.
Variant type: single nucleotide variant.
Coding change: c.1370G>C on transcript NM_006306.4 (MANE Select); coding-DNA position 1370, G replaced by C.
Protein change: p.Gly457Ala; replaces glycine 457 with alanine.
Molecular consequence: missense variant.
Genome position (GRCh38, 1-based): chrX:53,409,237, C>G on the plus strand (G>C on the coding strand, the complement: SMC1A is on the minus strand). VCF-style: chrX-53409237-C-G. GRCh37 (hg19) VCF-style: chrX-53436168-C-G.
Other names: c.1304G>C, p.Gly435Ala (NM_001281463.1); short protein forms G435A, G457A.
Identifiers: ClinVar variation 1721415 (VCV001721415.5), dbSNP rs2075702239, ClinGen allele CA413255735.
Genomic context (GRCh38, chrX:53,409,237, plus strand): 5'-AGCTCCTTATTGATTTCATCAATACGCCGCTTGGCCATCTCCACCTCCTCTGTCAGCTCC[C>G]CCTCTAGCTTCTTCTGCTCTTCTAGGGACTGCCTACAAAGTGAGGGCACACAGGAGTTAC-3'
Protein context (NP_006297.2, residues 447-467): QSLEEQKKLE[Gly457Ala]ELTEEVEMAK